The following is an entry in ClinVar:

NM_006648.4(WNK2):c.629A>T (p.Tyr210Phe)

Gene: WNK2 (WNK lysine deficient protein kinase 2; plus strand). Cytogenetic location: 9q22.31.
Variant type: single nucleotide variant.
Coding change: c.629A>T on transcript NM_006648.4 (MANE Select); coding-DNA position 629, A replaced by T.
Protein change: p.Tyr210Phe; replaces tyrosine 210 with phenylalanine.
Molecular consequence: missense variant.
Genome position (GRCh38, 1-based): chr9:93,185,558, A>T. VCF-style: chr9-93185558-A-T. GRCh37 (hg19) VCF-style: chr9-95947840-A-T.
Other names: c.629A>T, p.Tyr210Phe (NM_001282394.3); short protein forms Y210F.
Identifiers: ClinVar variation 4866602 (VCV004866602.1).

ClinVar aggregate classification (germline): Uncertain significance (1 of 4 stars; one submission).

gnomAD v4.1: 1 of 1,612,974 alleles (0.000062%); highest among the groups gnomAD compares: Non-Finnish European, 0.000085%; no homozygotes.

Submission:

Ambry Genetics
Classification: Uncertain significance. Last evaluated: 2026-04-19. Review status: criteria provided, single submitter. Criteria: Ambry Variant Classification Scheme 2023. Collection method: clinical testing. Allele origin: germline.
Comment: The p.Y210F variant (also known as c.629A>T), located in coding exon 1 of the WNK2 gene, results from an A to T substitution at nucleotide position 629. The tyrosine at codon 210 is replaced by phenylalanine, an amino acid with highly similar properties. This amino acid position is conserved. In addition, this alteration is predicted to be tolerated by in silico analysis. Based on the available evidence, the clinical significance of this variant remains unclear.